The following is an entry in ClinVar:

ClinVar aggregate classification (germline): Conflicting classifications of pathogenicity. Review status: criteria provided, conflicting classifications (1 of 4 stars). 12 submissions from 8 submitters: Uncertain significance (4); Benign (2); Likely benign (6). Last evaluated 2025-11-26.

Conditions:
Autosomal recessive limb-girdle muscular dystrophy type 2J (LGMDR10). Also called: MUSCULAR DYSTROPHY, LIMB-GIRDLE, AUTOSOMAL RECESSIVE 10; Limb-girdle muscular dystrophy, type 2J. Identifiers: Orphanet 140922, MedGen C1837342, MONDO:0012127, OMIM 608807.
Dilated cardiomyopathy 1G (CMD1G). Identifiers: Orphanet 154, MedGen C1858763, MONDO:0011400, OMIM 604145.
Tibial muscular dystrophy (TMD). Also called: UDD MYOPATHY; Tibial muscular dystrophy, tardive; Udd Distal Myopathy – Tibial Muscular Dystrophy. Identifiers: Orphanet 609, MedGen C1838244, MONDO:0010870, OMIM 600334.
Cardiomyopathy (CMYO). Also called: Cardiomyopathies. Identifiers: Orphanet 167848, MedGen C0878544, MONDO:0004994, HP:0001638. Inheritance: Various modes of inheritance.
Cardiovascular phenotype. Identifiers: MedGen CN230736.
Early-onset myopathy with fatal cardiomyopathy (CMYO5). Also called: CONGENITAL MYOPATHY 5 WITH CARDIOMYOPATHY; Salih Myopathy. Identifiers: Orphanet 289377, MedGen C2673677, MONDO:0012714, OMIM 611705. Disease mechanism: loss of function.
Myopathy, myofibrillar, 9, with early respiratory failure (MFM9). Also called: EDSTROM MYOPATHY; Myopathy, distal, with early respiratory failure, autosomal dominant; Hereditary myopathy with early respiratory failure; MYOPATHY, PROXIMAL, WITH EARLY RESPIRATORY MUSCLE INVOLVEMENT. Identifiers: Orphanet 178464, Orphanet 34521, MedGen C1863599, MONDO:0011362, OMIM 603689.

Allele frequency attached by ClinVar (database versions not stated): gnomAD 0.00005 and 0.00006; gnomAD exomes 0.00008; ExAC 0.00011; TOPMed 0.00011.
gnomAD v4.1: 119 of 1,613,230 alleles (0.0074%); highest among the groups gnomAD compares: African/African-American, 0.0094%; no homozygotes.

Submissions (12):

Labcorp Genetics (formerly Invitae), Labcorp
Classification: Likely benign for Dilated cardiomyopathy 1G; Autosomal recessive limb-girdle muscular dystrophy type 2J. Last evaluated: 2025-11-26. Review status: criteria provided, single submitter. Criteria: Invitae Variant Classification Sherloc (09022015). Collection method: clinical testing. Allele origin: germline.

Mayo Clinic Laboratories, Mayo Clinic
Classification: Likely benign. Last evaluated: 2025-04-21. Review status: criteria provided, single submitter. Criteria: ACMG Guidelines, 2015. Collection method: clinical testing. Allele origin: germline. Observed: 1 variant allele.
Comment: BP4, BP7

Blueprint Genetics
Classification: Likely benign. Last evaluated: 2024-05-08. Review status: criteria provided, single submitter. Criteria: ACMG Guidelines, 2015. Collection method: clinical testing. Allele origin: germline.

CHEO Genetics Diagnostic Laboratory, Children's Hospital of Eastern Ontario
Classification: Likely benign for Cardiomyopathy. Last evaluated: 2019-11-18. Review status: criteria provided, single submitter. Criteria: ACMG Guidelines, 2015. Collection method: clinical testing. Allele origin: germline.

Ambry Genetics
Classification: Likely benign for Cardiovascular phenotype. Last evaluated: 2018-07-10. Review status: criteria provided, single submitter. Criteria: Ambry Variant Classification Scheme 2023. Collection method: clinical testing. Allele origin: germline.

Illumina Laboratory Services, Illumina
Classification: Uncertain significance for Dilated cardiomyopathy 1G. Last evaluated: 2018-01-12. Review status: criteria provided, single submitter. Criteria: ICSL Variant Classification Criteria 13 December 2019. Collection method: clinical testing. Allele origin: germline.

Illumina Laboratory Services, Illumina
Classification: Benign for Tibial muscular dystrophy. Last evaluated: 2018-01-12. Review status: criteria provided, single submitter. Criteria: ICSL Variant Classification Criteria 13 December 2019. Collection method: clinical testing. Allele origin: germline.
Comment: This variant was observed in the ICSL laboratory as part of a predisposition screen in an ostensibly healthy population. It had not been previously curated by ICSL or reported in the Human Gene Mutation Database (HGMD: prior to June 1st, 2018), and was therefore a candidate for classification through an automated scoring system. Utilizing variant allele frequency, disease prevalence and penetrance estimates, and inheritance mode, an automated score was calculated to assess if this variant is too frequent to cause the disease. Based on the score and internal cut-off values, a variant classified as benign is not then subjected to further curation. The score for this variant resulted in a classification of benign for this disease.

Illumina Laboratory Services, Illumina
Classification: Uncertain significance for Early-onset myopathy with fatal cardiomyopathy. Last evaluated: 2018-01-12. Review status: criteria provided, single submitter. Criteria: ICSL Variant Classification Criteria 13 December 2019. Collection method: clinical testing. Allele origin: germline.

Illumina Laboratory Services, Illumina
Classification: Uncertain significance for Autosomal recessive limb-girdle muscular dystrophy type 2J. Last evaluated: 2018-01-12. Review status: criteria provided, single submitter. Criteria: ICSL Variant Classification Criteria 13 December 2019. Collection method: clinical testing. Allele origin: germline.

Illumina Laboratory Services, Illumina
Classification: Benign for Myopathy, myofibrillar, 9, with early respiratory failure. Last evaluated: 2018-01-12. Review status: criteria provided, single submitter. Criteria: ICSL Variant Classification Criteria 13 December 2019. Collection method: clinical testing. Allele origin: germline.
Comment: the same text as in the submission from Illumina Laboratory Services, Illumina above.

Eurofins Ntd Llc (ga)
Classification: Uncertain significance. Last evaluated: 2017-04-25. Review status: criteria provided, single submitter. Criteria: EGL Classification Definitions 2015. Collection method: clinical testing. Allele origin: germline. Observed: 2 variant alleles, 2 heterozygotes.

GeneDx
Classification: Likely benign. Last evaluated: 2016-12-27. Review status: criteria provided, single submitter. Criteria: GeneDx Variant Classification (06012015). Collection method: clinical testing. Allele origin: germline. Affected: yes.
Comment: This variant is considered likely benign or benign based on one or more of the following criteria: it is a conservative change, it occurs at a poorly conserved position in the protein, it is predicted to be benign by multiple in silico algorithms, and/or has population frequency not consistent with disease.

NM_001267550.2(TTN):c.60654G>A (p.Thr20218=)

Genes: TTN (titin; minus strand), TTN-AS1 (TTN antisense RNA 1; plus strand). Cytogenetic location: 2q31.2.
Variant type: single nucleotide variant.
Coding change: c.60654G>A on transcript NM_001267550.2 (MANE Select); coding-DNA position 60654, G replaced by A.
Protein change: p.Thr20218=; no amino-acid change (threonine 20218 retained).
Molecular consequence: synonymous variant.
Genome position (GRCh38, 1-based): chr2:178,591,071, C>T on the plus strand (G>A on the coding strand, the complement: TTN is on the minus strand). VCF-style: chr2-178591071-C-T. GRCh37 (hg19) VCF-style: chr2-179455798-C-T.
Other names: p.Thr17650=; c.55731G>A, p.Thr18577= (NM_001256850.1); c.33459G>A, p.Thr11153= (NM_003319.4); c.52950G>A, p.Thr17650= (NM_133378.4); c.33834G>A, p.Thr11278= (NM_133432.3); c.34035G>A, p.Thr11345= (NM_133437.4).
Identifiers: ClinVar variation 383256 (VCV000383256.24), dbSNP rs776141268, ClinGen allele CA1992461.